The following is an entry in ClinVar:

NM_024685.4(BBS10):c.1895T>C (p.Ile632Thr)

Gene: BBS10 (Bardet-Biedl syndrome 10; minus strand). Cytogenetic location: 12q21.2.
Variant type: single nucleotide variant.
Coding change: c.1895T>C on transcript NM_024685.4 (MANE Select); coding-DNA position 1895, T replaced by C.
Protein change: p.Ile632Thr; replaces isoleucine 632 with threonine.
Molecular consequence: missense variant.
Genome position (GRCh38, 1-based): chr12:76,346,090, A>G on the plus strand (T>C on the coding strand, the complement: BBS10 is on the minus strand). VCF-style: chr12-76346090-A-G. GRCh37 (hg19) VCF-style: chr12-76739870-A-G.
Other names: short protein forms I632T.
Identifiers: ClinVar variation 3356645 (VCV003356645.2).

ClinVar aggregate classification (germline): Uncertain significance. Review status: criteria provided, single submitter (1 of 4 stars). 2 submissions from 2 submitters: Uncertain significance (1). 1 of the submissions does not count toward it. Last evaluated 2025-08-28.

Conditions:
BBS10-related disorder. Also called: BBS10-related condition.
Inborn genetic diseases. Identifiers: MedGen C0950123, MeSH D030342.

gnomAD v4.1: 17 of 1,612,582 alleles (0.0011%); highest among the groups gnomAD compares: Non-Finnish European, 0.0014%; no homozygotes.

Submissions (2):

Ambry Genetics
Classification: Uncertain significance for Inborn genetic diseases. Last evaluated: 2025-08-28. Review status: criteria provided, single submitter. Criteria: Ambry Variant Classification Scheme 2023. Collection method: clinical testing. Allele origin: germline.

PreventionGenetics, part of Exact Sciences
Classification: Uncertain significance for BBS10-related condition. Last evaluated: 2024-02-20. Review status: no assertion criteria provided. Collection method: clinical testing. Allele origin: germline. Not counted in ClinVar's aggregate classification.
Comment: The BBS10 c.1895T>C variant is predicted to result in the amino acid substitution p.Ile632Thr. To our knowledge, this variant has not been reported in the literature or in a large population database, indicating this variant is rare. At this time, the clinical significance of this variant is uncertain due to the absence of conclusive functional and genetic evidence.